The following is an entry in ClinVar:

NM_032578.4(MYPN):c.3815C>T (p.Pro1272Leu)

Gene: MYPN (myopalladin; plus strand). Cytogenetic location: 10q21.3.
Variant type: single nucleotide variant.
Coding change: c.3815C>T on transcript NM_032578.4 (MANE Select); coding-DNA position 3815, C replaced by T.
Protein change: p.Pro1272Leu; replaces proline 1272 with leucine.
Molecular consequence: missense variant. On other transcripts: non-coding transcript variant (2).
Genome position (GRCh38, 1-based): chr10:68,210,307, C>T. VCF-style: chr10-68210307-C-T. GRCh37 (hg19) VCF-style: chr10-69970064-C-T.
Other names: c.3815C>T, p.Pro1272Leu (NM_001256267.2); c.2933C>T, p.Pro978Leu (NM_001256268.2); short protein forms P1272L, P978L.
Identifiers: ClinVar variation 544029 (VCV000544029.49), dbSNP rs1554852276, ClinGen allele CA376829885.

ClinVar aggregate classification (germline): Uncertain significance. Review status: criteria provided, multiple submitters, no conflicts (2 of 4 stars). 2 submissions from 2 submitters: Uncertain significance (2). Last evaluated 2024-02-24.

Conditions:
Dilated cardiomyopathy 1KK (CMD1KK). Identifiers: Orphanet 154, Orphanet 75249, MedGen C3714995, MONDO:0014100, OMIM 615248.

Allele frequency attached by ClinVar (database versions not stated): gnomAD exomes below 0.00001.
gnomAD v4.1: 1 of 1,613,750 alleles (0.000062%); highest among the groups gnomAD compares: South Asian, 0.0011%; no homozygotes.

Submissions (2):

Labcorp Genetics (formerly Invitae), Labcorp
Classification: Uncertain significance for Dilated cardiomyopathy 1KK. Last evaluated: 2024-02-24. Review status: criteria provided, single submitter. Criteria: Invitae Variant Classification Sherloc (09022015). Collection method: clinical testing. Allele origin: germline.
Comment: This sequence change replaces proline, which is neutral and non-polar, with leucine, which is neutral and non-polar, at codon 1272 of the MYPN protein (p.Pro1272Leu). This variant is not present in population databases (gnomAD no frequency). This variant has not been reported in the literature in individuals affected with MYPN-related conditions. ClinVar contains an entry for this variant (Variation ID: 544029). An algorithm developed to predict the effect of missense changes on protein structure and function (PolyPhen-2) suggests that this variant is likely to be disruptive. In summary, the available evidence is currently insufficient to determine the role of this variant in disease. Therefore, it has been classified as a Variant of Uncertain Significance.

CeGaT Center for Human Genetics Tuebingen
Classification: Uncertain significance. Last evaluated: 2019-05-01. Review status: criteria provided, single submitter. Criteria: CeGaT Center For Human Genetics Tuebingen Variant Classification Criteria Version 2. Collection method: clinical testing. Allele origin: germline. Affected: yes. Observed: 1 variant allele.